The following is an entry in ClinVar:

NM_001159702.3(FHL1):c.-101+3A>G

Gene: FHL1 (four and a half LIM domains 1; plus strand). Cytogenetic location: Xq26.3.
Variant type: single nucleotide variant.
Coding change: c.-101+3A>G on transcript NM_001159702.3 (MANE Plus Clinical); 3 bases into the intron after 101 bases upstream of the start codon, A replaced by G.
Molecular consequence: intron variant.
Genome position (GRCh38, 1-based): chrX:136,147,631, A>G. VCF-style: chrX-136147631-A-G. GRCh37 (hg19) VCF-style: chrX-135229790-A-G.
Other names: c.-101+3A>G (NM_001449.5, NM_001159703.2).
Identifiers: ClinVar variation 488949 (VCV000488949.5), dbSNP rs895540444, ClinGen allele CA336084895.

ClinVar aggregate classification (germline): Uncertain significance. Review status: criteria provided, multiple submitters, no conflicts (2 of 4 stars). 2 submissions from 2 submitters: Uncertain significance (2). Last evaluated 2021-07-15.

Conditions:
Myopathy, reducing body, X-linked, early-onset, severe (RBMX1A). Also called: REDUCING BODY MYOPATHY, X-LINKED 1, SEVERE, WITH INFANTILE OR EARLY CHILDHOOD ONSET. Identifiers: Orphanet 97239, MedGen C4225423, MONDO:0010414, OMIM 300717.
Myopathy, reducing body, X-linked, childhood-onset (RBMX1B). Also called: REDUCING BODY MYOPATHY, X-LINKED 1B, WITH LATE CHILDHOOD OR ADULT ONSET. Identifiers: Orphanet 97239, MedGen C4225159, MONDO:0010415, OMIM 300718.
X-linked myopathy with postural muscle atrophy. Also called: FHL1-Related Emery-Dreifuss Muscular Dystrophy, X-Linked. Identifiers: Orphanet 178461, MedGen C2678055, MONDO:0010401, OMIM 300696.
Uruguay Faciocardiomusculoskeletal syndrome. Identifiers: MedGen C1846010, MONDO:0010292, OMIM 300280.
X-linked scapuloperoneal muscular dystrophy. Also called: SCAPULOPERONEAL MYOPATHY, FHL1-RELATED. Identifiers: Orphanet 431272, MedGen C2678061, MONDO:0010400, OMIM 300695.

Allele frequency attached by ClinVar (database versions not stated): TOPMed 0.00005; 1000 Genomes Project 30x 0.00062; gnomAD 0.00004 and 0.00006.

Submissions (2):

Fulgent Genetics
Classification: Uncertain significance for Uruguay Faciocardiomusculoskeletal syndrome; X-linked scapuloperoneal muscular dystrophy; X-linked myopathy with postural muscle atrophy; Myopathy, reducing body, X-linked, early-onset, severe; Myopathy, reducing body, X-linked, childhood-onset. Last evaluated: 2021-07-15. Review status: criteria provided, single submitter. Criteria: ACMG Guidelines, 2015. Collection method: clinical testing. Allele origin: unknown.

GeneDx
Classification: Uncertain significance. Last evaluated: 2018-01-26. Review status: criteria provided, single submitter. Criteria: GeneDx Variant Classification (06012015). Collection method: clinical testing. Allele origin: germline. Affected: yes.
Comment: The c.-101+3 A>G variant has not been published as pathogenic or been reported as benign to our knowledge. It is not observed at a significant frequency in large population cohorts (Lek et al., 2016). The c.-101+3 A>G variant is located in intron 1, in the 5' UTR. Several splice prediction algorithms predict that the c.-101+3 A>G variant may damage or destroy the natural splice donor site in intron 1, leading to abnormal gene splicing. Other splice site variants in the FHL1 gene have been reported in HGMD in association with syndromic and neuromuscular disorders, though no FHL1 splice site variant have been associated with an isolated cardiomyopathy phenotype (Stenson et al., 2014). In the absence of RNA/functional studies, the actual effect of this sequence change in this individual is unknown.